The following is an entry in ClinVar:

ClinVar aggregate classification (germline): Pathogenic (1 of 4 stars; one submission).

Conditions:
O'Donnell-Luria-Rodan syndrome (ODLURO). Also called: KMT2E-Related Neurodevelopmental Disorder. Identifiers: MedGen C5193138, MONDO:0032793, OMIM 618512.

Submission:

Department of Rehabilitation, Children's Hospital of Nanjing Medical University
Classification: Pathogenic for O'Donnell-Luria-Rodan syndrome. Last evaluated: 2022-06-21. Review status: criteria provided, single submitter. Criteria: ACMG Guidelines, 2015. Collection method: clinical testing. Allele origin: germline. Affected: yes.
Comment: PVS1,PS2,PM2_Supporting

NM_182931.3(KMT2E):c.5363del (p.Leu1788fs)

Gene: KMT2E (lysine methyltransferase 2E (inactive); plus strand). Cytogenetic location: 7q22.3.
Variant type: Deletion.
Coding change: c.5363del on transcript NM_182931.3 (MANE Select); coding-DNA position 5363, one base deleted (T; older notation c.5363delT).
Protein change: p.Leu1788fs; shifts the reading frame from leucine 1788.
Molecular consequence: frameshift variant.
Genome position (GRCh38, 1-based): chr7:105,113,119, T deleted; the last of 2 consecutive T bases (chr7:105,113,118-105,113,119); deleting either gives the same sequence. VCF-style (leftmost placement, unchanged base first): chr7-105113117-AT-A. GRCh37 (hg19) VCF-style: chr7-104753564-AT-A.
Other names: c.5237del, p.Leu1746fs (NM_001410908.1); c.5363del, p.Leu1788fs (NM_018682.4); short protein forms L1746fs, L1788fs.
Identifiers: ClinVar variation 5021457 (VCV005021457.1).